The following is an entry in ClinVar:

ClinVar aggregate classification (germline): Uncertain significance (1 of 4 stars; one submission).

Submission:

Greenwood Genetic Center Diagnostic Laboratories, Greenwood Genetic Center
Classification: Uncertain significance. Last evaluated: 2026-06-12. Review status: criteria provided, single submitter. Criteria: ACMG Guidelines, 2015. Collection method: clinical testing. Allele origin: germline.
Comment: PM2

NM_016032.4(ZDHHC9):c.-176C>T

Gene: ZDHHC9 (zDHHC palmitoyltransferase 9; minus strand). Cytogenetic location: Xq26.1.
Variant type: single nucleotide variant.
Coding change: c.-176C>T on transcript NM_016032.4 (MANE Select); 176 bases upstream of the start codon, C replaced by T.
Molecular consequence: 5 prime UTR variant.
Genome position (GRCh38, 1-based): chrX:129,843,299, G>A on the plus strand (C>T on the coding strand, the complement: ZDHHC9 is on the minus strand). VCF-style: chrX-129843299-G-A. GRCh37 (hg19) VCF-style: chrX-128977275-G-A.
Other names: c.-176C>T (NM_001008222.3).
Identifiers: ClinVar variation 4891148 (VCV004891148.1).
Genomic context (GRCh38, chrX:129,843,299, plus strand): 5'-GTCCTTTGTGTAAAACTAACCTGGAAGACAATCTCCTCCCGATAAACCGGCCCAGCGGGA[G>A]AAGGGAGACCAGGAAGGGGGAGCCGGCCTGGAAGAACAAAGATCAAAATCCGTCGGGAAG-3'